The following is an entry in ClinVar:

NM_002087.4(GRN):c.1511C>T (p.Pro504Leu)

Gene: GRN (granulin precursor; plus strand). Cytogenetic location: 17q21.31.
Variant type: single nucleotide variant.
Coding change: c.1511C>T on transcript NM_002087.4 (MANE Select); coding-DNA position 1511, C replaced by T.
Protein change: p.Pro504Leu; replaces proline 504 with leucine.
Molecular consequence: missense variant.
Genome position (GRCh38, 1-based): chr17:44,352,438, C>T. VCF-style: chr17-44352438-C-T. GRCh37 (hg19) VCF-style: chr17-42429806-C-T.
Other names: short protein forms P504L.
Identifiers: ClinVar variation 1967834 (VCV001967834.5), dbSNP rs1339672875, ClinGen allele CA399770204.

ClinVar aggregate classification (germline): Uncertain significance (1 of 4 stars; one submission).

Conditions:
Neuronal ceroid lipofuscinosis 11. Also called: GRN-Related Neuronal Ceroid-Lipofuscinosis. Identifiers: Orphanet 314629, Orphanet 79262, MedGen C3539123, MONDO:0013866, OMIM 614706.
GRN-related frontotemporal lobar degeneration with Tdp43 inclusions (FTD2). Also called: GRN Frontotemporal Dementia; FRONTOTEMPORAL DEMENTIA WITH TDP43 INCLUSIONS, GRN-RELATED; DEMENTIA, HEREDITARY DYSPHASIC DISINHIBITION; FRONTOTEMPORAL LOBAR DEGENERATION WITH UBIQUITIN-POSITIVE INCLUSIONS; FTLD-TDP, GRN-RELATED. Identifiers: Orphanet 100070, Orphanet 282, MedGen C1843792, MONDO:0011842, OMIM 607485. Disease mechanism: loss of function.

Allele frequency attached by ClinVar (database versions not stated): gnomAD exomes below 0.00001.
gnomAD v4.1: 3 of 1,614,128 alleles (0.00019%); highest among the groups gnomAD compares: Non-Finnish European, 0.00025%; no homozygotes.

Submission:

Labcorp Genetics (formerly Invitae), Labcorp
Classification: Uncertain significance for Neuronal ceroid lipofuscinosis 11; GRN-related frontotemporal lobar degeneration with Tdp43 inclusions. Last evaluated: 2022-02-20. Review status: criteria provided, single submitter. Criteria: Invitae Variant Classification Sherloc (09022015). Collection method: clinical testing. Allele origin: germline.
Comment: This variant has not been reported in the literature in individuals affected with GRN-related conditions. This variant is not present in population databases (gnomAD no frequency). This sequence change replaces proline, which is neutral and non-polar, with leucine, which is neutral and non-polar, at codon 504 of the GRN protein (p.Pro504Leu). Algorithms developed to predict the effect of missense changes on protein structure and function output the following: SIFT: "Tolerated"; PolyPhen-2: "Benign"; Align-GVGD: "Class C0". The leucine amino acid residue is found in multiple mammalian species, which suggests that this missense change does not adversely affect protein function. In summary, the available evidence is currently insufficient to determine the role of this variant in disease. Therefore, it has been classified as a Variant of Uncertain Significance.